The following is an entry in ClinVar:

ClinVar aggregate classification (germline): Uncertain significance (1 of 4 stars; one submission).

Submission:

Women's Health and Genetics/Laboratory Corporation of America, LabCorp
Classification: Uncertain significance. Last evaluated: 2019-12-31. Review status: criteria provided, single submitter. Criteria: LabCorp Variant Classification Summary - May 2015. Collection method: clinical testing. Allele origin: germline.
Comment: Variant summary: HRAS c.165_166ins47 (c.165_166insTCCGGAAGCAGGTGGTCATTGATGGGGAGACGTGCCTGTTGGACATC, p.Leu56SerfsX64) results in a premature termination codon, predicted to cause a truncation of the encoded protein or absence of the protein due to nonsense mediated decay. 5/5 computational tools predict no significant impact on normal splicing. However, these predictions have yet to be confirmed by functional studies. The variant was absent in 251248 control chromosomes (gnomAD). The available data on variant occurrences in the general population are insufficient to allow any conclusion about variant significance. To our knowledge, no occurrence of c.165_166ins47 in individuals affected with Noonan Syndrome and Related Conditions and no experimental evidence demonstrating its impact on protein function have been reported. No clinical diagnostic laboratories have submitted clinical-significance assessments for this variant to ClinVar after 2014. Based on the evidence outlined above, the variant was classified as uncertain significance.

NM_005343.4(HRAS):c.165_166insTCCGGAAGCAGGTGGTCATTGATGGGGAGACGTGCCTGTTGGACATC (p.Leu56fs)

Genes: HRAS (HRas proto-oncogene, GTPase; minus strand), LRRC56 (leucine rich repeat containing 56; plus strand). Cytogenetic location: 11p15.5.
Variant type: Insertion.
Coding change: c.165_166insTCCGGAAGCAGGTGGTCATTGATGGGGAGACGTGCCTGTTGGACATC on transcript NM_005343.4 (MANE Select); coding-DNA positions 165 to 166, TCCGGAAGCAGGTGGTCATTGATGGGGAGACGTGCCTGTTGGACATC inserted.
Protein change: p.Leu56fs; shifts the reading frame from leucine 56.
Molecular consequence: frameshift variant. On other transcripts: 5 prime UTR variant (1).
Genome position: GRCh38: chr11:533,936-533,937. GRCh37 (hg19): chr11:533,936-533,937.
Other names: c.165_166insTCCGGAAGCAGGTGGTCATTGATGGGGAGACGTGCCTGTTGGACATC, p.Leu56fs (NM_001130442.3, NM_176795.5); c.-155_-154insTCCGGAAGCAGGTGGTCATTGATGGGGAGACGTGCCTGTTGGACATC (NM_001318054.2); short protein forms L56fs.
Identifiers: ClinVar variation 929128 (VCV000929128.1), dbSNP rs1851284408, ClinGen allele CA1139661728.